The following is an entry in ClinVar:

ClinVar aggregate classification (germline): Uncertain significance (1 of 4 stars; one submission).

Submission:

Labcorp Genetics (formerly Invitae), Labcorp
Classification: Uncertain significance. Last evaluated: 2023-10-09. Review status: criteria provided, single submitter. Criteria: Invitae Variant Classification Sherloc (09022015). Collection method: clinical testing. Allele origin: germline.
Comment: This sequence change falls in intron 2 of the ADIPOR1 gene. It does not directly change the encoded amino acid sequence of the ADIPOR1 protein. It affects a nucleotide within the consensus splice site. This variant is present in population databases (no rsID available, gnomAD 0.0009%). This variant has not been reported in the literature in individuals affected with ADIPOR1-related conditions. Variants that disrupt the consensus splice site are a relatively common cause of aberrant splicing (PMID: 17576681, 9536098). Algorithms developed to predict the effect of sequence changes on RNA splicing suggest that this variant is not likely to affect RNA splicing. In summary, the available evidence is currently insufficient to determine the role of this variant in disease. Therefore, it has been classified as a Variant of Uncertain Significance.

Literature cited by the submitters: PubMed 17576681; PubMed 9536098.

NM_015999.6(ADIPOR1):c.142-3T>C

Gene: ADIPOR1 (adiponectin receptor 1; minus strand). Cytogenetic location: 1q32.1.
Variant type: single nucleotide variant.
Coding change: c.142-3T>C on transcript NM_015999.6 (MANE Select); 3 bases into the intron before coding-DNA position 142, T replaced by C.
Molecular consequence: intron variant.
Genome position (GRCh38, 1-based): chr1:202,948,423, A>G on the plus strand (T>C on the coding strand, the complement: ADIPOR1 is on the minus strand). VCF-style: chr1-202948423-A-G. GRCh37 (hg19) VCF-style: chr1-202917551-A-G.
Other names: c.142-3T>C (NM_001290629.1, NM_001290557.1, NM_001290553.2).
Identifiers: ClinVar variation 2767244 (VCV002767244.3), dbSNP rs1298199982, ClinGen allele CA528156588.